The following is an entry in ClinVar:

ClinVar aggregate classification (germline): Conflicting classifications of pathogenicity. Review status: criteria provided, conflicting classifications (1 of 4 stars). 2 submissions from 2 submitters: Likely pathogenic (1); Uncertain significance (1). Last evaluated 2026-04-08.

Conditions:
Deficiency of mevalonate kinase. Also called: Mevalonate kinase deficiency. Identifiers: Orphanet 309025, MedGen C0342731, MONDO:0017708.
MVK-related disorder. Also called: MVK-related condition; MVK-related disorders. Identifiers: MedGen CN239294.

gnomAD v4.1: 7 of 1,614,116 alleles (0.00043%); highest among the groups gnomAD compares: South Asian, 0.0077%; no homozygotes.

Submissions (2):

Myriad Genetics, Inc.
Classification: Uncertain significance for Deficiency of mevalonate kinase. Last evaluated: 2026-04-08. Review status: criteria provided, single submitter. Criteria: Myriad Autosomal Dominant, Autosomal Recessive and X-Linked Classification Criteria (2023). Collection method: clinical testing. Allele origin: unknown.
Comment: NM_000431.2(MVK):c.546G>T(L182F) is a missense variant classified as a variant of uncertain significance in the context of mevalonate kinase deficiency. L182F has been observed in a case with relevant disease (PMID: 33815380). Relevant functional assessments of this variant are not available in the literature. L182F has been observed in referenced population frequency databases. In summary, there is insufficient evidence to classify NM_000431.2(MVK):c.546G>T(L182F) as pathogenic or benign. Please note: this variant was assessed in the context of healthy population screening.

Blueprint Genetics
Classification: Likely pathogenic for MVK-related disorders. Last evaluated: 2024-02-20. Review status: criteria provided, single submitter. Criteria: ACMG Guidelines, 2015. Collection method: clinical testing. Allele origin: germline. Affected: yes. Observed: 3 variant alleles.

Literature cited by the submitters: PubMed 33815380 (cited by Myriad Genetics, Inc.).

NM_000431.4(MVK):c.546G>T (p.Leu182Phe)

Gene: MVK (mevalonate kinase; plus strand). Cytogenetic location: 12q24.11.
Variant type: single nucleotide variant.
Coding change: c.546G>T on transcript NM_000431.4 (MANE Select); coding-DNA position 546, G replaced by T.
Protein change: p.Leu182Phe; replaces leucine 182 with phenylalanine.
Molecular consequence: missense variant. On other transcripts: 5 prime UTR variant (1), non-coding transcript variant (4).
Genome position (GRCh38, 1-based): chr12:109,586,040, G>T. VCF-style: chr12-109586040-G-T. GRCh37 (hg19) VCF-style: chr12-110023845-G-T.
Other names: c.390G>T, p.Leu130Phe (NM_001301182.2, NM_001414514.1); c.546G>T, p.Leu182Phe (NM_001414511.1, NM_001414512.1, NM_001414513.1 and 1 more transcripts); c.-37G>T (NM_001414515.1); short protein forms L130F, L182F.
Identifiers: ClinVar variation 4918347 (VCV004918347.2).